The following is an entry in ClinVar:

ClinVar aggregate classification (germline): Uncertain significance. Review status: criteria provided, multiple submitters, no conflicts (2 of 4 stars). 2 submissions from 2 submitters: Uncertain significance (2). Last evaluated 2023-08-17.

Conditions:
Benign neonatal seizures. Also called: Convulsions benign familial neonatal dominant form; Autosomal dominant form of benign neonatal seizures; Benign neonatal familial convulsions; Benign familial neonatal seizures; Benign familial neonatal epilepsy. Identifiers: Orphanet 1949, MedGen C0220669, MONDO:0016027.

Allele frequency attached by ClinVar (database versions not stated): ESP Exome Variant Server 0.00008.
gnomAD v4.1: 3 of 1,613,246 alleles (0.00019%); highest among the groups gnomAD compares: Non-Finnish European, 0.00025%; no homozygotes.

Submissions (2):

GeneDx
Classification: Uncertain significance. Last evaluated: 2023-08-17. Review status: criteria provided, single submitter. Criteria: GeneDx Variant Classification Process June 2021. Collection method: clinical testing. Allele origin: germline. Affected: yes.
Comment: Not observed in large population cohorts (gnomAD); In silico analysis, which includes protein predictors and evolutionary conservation, supports a deleterious effect; Has not been previously published as pathogenic or benign to our knowledge

Labcorp Genetics (formerly Invitae), Labcorp
Classification: Uncertain significance for Benign neonatal seizures. Last evaluated: 2023-05-22. Review status: criteria provided, single submitter. Criteria: Invitae Variant Classification Sherloc (09022015). Collection method: clinical testing. Allele origin: germline.
Comment: In summary, the available evidence is currently insufficient to determine the role of this variant in disease. Therefore, it has been classified as a Variant of Uncertain Significance. Advanced modeling of protein sequence and biophysical properties (such as structural, functional, and spatial information, amino acid conservation, physicochemical variation, residue mobility, and thermodynamic stability) performed at Invitae indicates that this missense variant is not expected to disrupt KCNQ3 protein function. ClinVar contains an entry for this variant (Variation ID: 1312683). This variant has not been reported in the literature in individuals affected with KCNQ3-related conditions. This variant is not present in population databases (gnomAD no frequency). This sequence change replaces proline, which is neutral and non-polar, with arginine, which is basic and polar, at codon 576 of the KCNQ3 protein (p.Pro576Arg).

NM_004519.4(KCNQ3):c.1727C>G (p.Pro576Arg)

Gene: KCNQ3 (potassium voltage-gated channel subfamily Q member 3; minus strand). Cytogenetic location: 8q24.22.
Variant type: single nucleotide variant.
Coding change: c.1727C>G on transcript NM_004519.4 (MANE Select); coding-DNA position 1727, C replaced by G.
Protein change: p.Pro576Arg; replaces proline 576 with arginine.
Molecular consequence: missense variant.
Genome position (GRCh38, 1-based): chr8:132,134,362, G>C on the plus strand (C>G on the coding strand, the complement: KCNQ3 is on the minus strand). VCF-style: chr8-132134362-G-C. GRCh37 (hg19) VCF-style: chr8-133146609-G-C.
Other names: c.1367C>G, p.Pro456Arg (NM_001204824.2); short protein forms P456R, P576R.
Identifiers: ClinVar variation 1312683 (VCV001312683.8), dbSNP rs371890934, ClinGen allele CA185431190.